The following is an entry in ClinVar:

NM_033305.3(VPS13A):c.1358-29A>G

Gene: VPS13A (vacuolar protein sorting 13 homolog A; plus strand). Cytogenetic location: 9q21.2.
Variant type: single nucleotide variant.
Coding change: c.1358-29A>G on transcript NM_033305.3 (MANE Select); 29 bases into the intron before coding-DNA position 1358, A replaced by G.
Molecular consequence: intron variant.
Genome position (GRCh38, 1-based): chr9:77,227,362, A>G. VCF-style: chr9-77227362-A-G. GRCh37 (hg19) VCF-style: chr9-79842278-A-G.
Other names: c.1358-29A>G (NM_001018038.3, NM_001018037.2, NM_015186.4).
Identifiers: ClinVar variation 1223205 (VCV001223205.19), dbSNP rs139845549, ClinGen allele CA5091663.

ClinVar aggregate classification (germline): Benign/Likely benign. Review status: criteria provided, multiple submitters, no conflicts (2 of 4 stars). 3 submissions from 3 submitters: Benign (1); Likely benign (2). Last evaluated 2026-10-01.

Allele frequency attached by ClinVar (database versions not stated): 1000 Genomes Project 0.00300; 1000 Genomes Project 30x 0.00312; gnomAD exomes 0.00694 and 0.01014; gnomAD 0.00707 and 0.00710; ExAC 0.00734; ESP Exome Variant Server 0.00777.
gnomAD v4.1: 14,479 of 1,483,466 alleles (0.98%); highest among the groups gnomAD compares: Non-Finnish European, 1.2%; 129 homozygotes.

Submissions (3):

CeGaT Center for Human Genetics Tuebingen
Classification: Benign. Last evaluated: 2026-10-01. Review status: criteria provided, single submitter. Criteria: CeGaT Center For Human Genetics Tuebingen Variant Classification Criteria Version 2. Collection method: clinical testing. Allele origin: germline. Affected: yes. Observed: 14 variant alleles.
Comment: VPS13A: BS1, BS2

GeneDx
Classification: Likely benign. Last evaluated: 2019-03-10. Review status: criteria provided, single submitter. Criteria: GeneDx Variant Classification Process June 2021. Collection method: clinical testing. Allele origin: germline. Affected: yes.

Breakthrough Genomics
Classification: Likely benign. Review status: criteria provided, single submitter. Criteria: ACMG Guidelines, 2015. Collection method: not provided. Allele origin: germline. Inheritance: Autosomal recessive inheritance. Affected: yes.